The following is an entry in ClinVar:

NM_000038.6(APC):c.8117T>G (p.Val2706Gly)

Gene: APC (APC regulator of Wnt signaling pathway; plus strand). Cytogenetic location: 5q22.2.
Variant type: single nucleotide variant.
Coding change: c.8117T>G on transcript NM_000038.6 (MANE Select); coding-DNA position 8117, T replaced by G.
Protein change: p.Val2706Gly; replaces valine 2706 with glycine.
Molecular consequence: missense variant.
Genome position (GRCh38, 1-based): chr5:112,843,711, T>G. VCF-style: chr5-112843711-T-G. GRCh37 (hg19) VCF-style: chr5-112179408-T-G.
Other names: c.8117T>G, p.Val2706Gly (NM_001127510.3, NM_001354895.2); c.8063T>G, p.Val2688Gly (NM_001127511.3); c.8171T>G, p.Val2724Gly (NM_001354896.2); c.8147T>G, p.Val2716Gly (NM_001354897.2); c.8042T>G, p.Val2681Gly (NM_001354898.2); c.8033T>G, p.Val2678Gly (NM_001354899.2); c.7994T>G, p.Val2665Gly (NM_001354900.2); c.7940T>G, p.Val2647Gly (NM_001354901.2); and 5 more; short protein forms V2605G, V2647G, V2678G, V2681G, V2706G, V2423G, V2665G, V2716G.
Identifiers: ClinVar variation 921397 (VCV000921397.4), dbSNP rs1766648353, ClinGen allele CA16038965.

ClinVar aggregate classification (germline): Uncertain significance (1 of 4 stars; one submission).

Conditions:
Hereditary cancer-predisposing syndrome. Also called: Neoplastic Syndromes, Hereditary; Tumor predisposition; Hereditary Cancer Syndrome; Hereditary neoplastic syndrome. Identifiers: Orphanet 140162, MedGen C0027672, MeSH D009386, MONDO:0015356.

Allele frequency attached by ClinVar (database versions not stated): gnomAD exomes below 0.00001.
gnomAD v4.1: 1 of 1,614,030 alleles (0.000062%); highest among the groups gnomAD compares: East Asian, 0.0022%; no homozygotes.

Submission:

Color Diagnostics, LLC DBA Color Health
Classification: Uncertain significance for Hereditary cancer-predisposing syndrome. Last evaluated: 2024-03-06. Review status: criteria provided, single submitter. Criteria: ACMG Guidelines, 2015. Collection method: clinical testing. Allele origin: germline.
Comment: This missense variant replaces valine with glycine at codon 2706 of the APC protein. Computational prediction suggests that this variant may not impact protein structure and function (internally defined REVEL score threshold <= 0.5, PMID: 27666373). Splice site prediction tools suggest that this variant may not impact RNA splicing. To our knowledge, functional studies have not been performed for this variant. This variant has not been reported in individuals affected with hereditary cancer in the literature. This variant has not been identified in the general population by the Genome Aggregation Database (gnomAD). The available evidence is insufficient to determine the role of this variant in disease conclusively. Therefore, this variant is classified as a Variant of Uncertain Significance.